The following is an entry in ClinVar:

NM_016169.4(SUFU):c.1342G>A (p.Glu448Lys)

Gene: SUFU (SUFU negative regulator of hedgehog signaling; plus strand). Cytogenetic location: 10q24.32.
Variant type: single nucleotide variant.
Coding change: c.1342G>A on transcript NM_016169.4 (MANE Select); coding-DNA position 1342, G replaced by A.
Protein change: p.Glu448Lys; replaces glutamic acid 448 with lysine.
Molecular consequence: missense variant.
Genome position (GRCh38, 1-based): chr10:102,627,220, G>A. VCF-style: chr10-102627220-G-A. GRCh37 (hg19) VCF-style: chr10-104386977-G-A.
Other names: short protein forms E448K.
Identifiers: ClinVar variation 1435571 (VCV001435571.8), dbSNP rs2135954335, ClinGen allele CA377918820.
Genomic context (GRCh38, chr10:102,627,220, plus strand): 5'-CTTGTGCCTTCACAGATTCTGTTGACCGAAGAGTTTGTAGAGAAAATGTTGGAGGATTTA[G>A]AAGATTTGACTTCTCCAGAGGAAGTAAGCTTGTTTGACTTTTCCTGACAACAGGTCCCGT-3'
Protein context (NP_057253.2, residues 438-458): EFVEKMLEDL[Glu448Lys]DLTSPEEFKL

ClinVar aggregate classification (germline): Uncertain significance (1 of 4 stars; one submission).

Conditions:
Gorlin syndrome. Also called: Basal cell nevus syndrome; Nevoid Basal Cell Carcinoma Syndrome. Identifiers: Orphanet 377, MedGen C0004779, MONDO:0007187.
Medulloblastoma (MDB). Also called: MEDULLOBLASTOMA PREDISPOSITION SYNDROME; Medulloblastoma, somatic. Identifiers: Orphanet 616, MedGen C0025149, MeSH D008527, MONDO:0007959, OMIM 155255, HP:0002885.

Submission:

Labcorp Genetics (formerly Invitae), Labcorp
Classification: Uncertain significance for Gorlin syndrome; Medulloblastoma. Last evaluated: 2024-04-05. Review status: criteria provided, single submitter. Criteria: Invitae Variant Classification Sherloc (09022015). Collection method: clinical testing. Allele origin: germline.
Comment: This sequence change replaces glutamic acid, which is acidic and polar, with lysine, which is basic and polar, at codon 448 of the SUFU protein (p.Glu448Lys). This variant is not present in population databases (gnomAD no frequency). This variant has not been reported in the literature in individuals affected with SUFU-related conditions. ClinVar contains an entry for this variant (Variation ID: 1435571). Advanced modeling of protein sequence and biophysical properties (such as structural, functional, and spatial information, amino acid conservation, physicochemical variation, residue mobility, and thermodynamic stability) performed at Invitae indicates that this missense variant is not expected to disrupt SUFU protein function with a negative predictive value of 80%. In summary, the available evidence is currently insufficient to determine the role of this variant in disease. Therefore, it has been classified as a Variant of Uncertain Significance.